The following is an entry in ClinVar:

NM_000293.3(PHKB):c.*226A>G

Gene: PHKB (phosphorylase kinase regulatory subunit beta; plus strand). Cytogenetic location: 16q12.1.
Variant type: single nucleotide variant.
Coding change: c.*226A>G on transcript NM_000293.3 (MANE Select); 226 bases downstream of the stop codon, A replaced by G.
Molecular consequence: 3 prime UTR variant.
Genome position (GRCh38, 1-based): chr16:47,699,592, A>G. VCF-style: chr16-47699592-A-G. GRCh37 (hg19) VCF-style: chr16-47733503-A-G.
Other names: c.*226A>G (NM_001031835.3, NM_001363837.1).
Identifiers: ClinVar variation 884988 (VCV000884988.4), dbSNP rs9935072, ClinGen allele CA280740122.

ClinVar aggregate classification (germline): Benign (1 of 4 stars; one submission).

Conditions:
Glycogen storage disease IXb (GSD9B). Also called: GLYCOGENOSIS OF LIVER AND MUSCLE, AUTOSOMAL RECESSIVE; GSD IXb; PHOSPHORYLASE KINASE DEFICIENCY OF LIVER AND MUSCLE, AUTOSOMAL RECESSIVE. Identifiers: Orphanet 79240, MedGen C0543514, MONDO:0009868, OMIM 261750.

Allele frequency attached by ClinVar (database versions not stated): gnomAD exomes 0.00053; gnomAD 0.00425 and 0.00451; TOPMed 0.00454; 1000 Genomes Project 0.00619; 1000 Genomes Project 30x 0.00640.

Submission:

Illumina Laboratory Services, Illumina
Classification: Benign for Glycogen storage disease IXb. Last evaluated: 2018-01-12. Review status: criteria provided, single submitter. Criteria: ICSL Variant Classification Criteria 13 December 2019. Collection method: clinical testing. Allele origin: germline.
Comment: This variant was observed in the ICSL laboratory as part of a predisposition screen in an ostensibly healthy population. It had not been previously curated by ICSL or reported in the Human Gene Mutation Database (HGMD: prior to June 1st, 2018), and was therefore a candidate for classification through an automated scoring system. Utilizing variant allele frequency, disease prevalence and penetrance estimates, and inheritance mode, an automated score was calculated to assess if this variant is too frequent to cause the disease. Based on the score and internal cut-off values, a variant classified as benign is not then subjected to further curation. The score for this variant resulted in a classification of benign for this disease.